The following is an entry in ClinVar:

ClinVar aggregate classification (germline): Uncertain significance. Review status: criteria provided, multiple submitters, no conflicts (2 of 4 stars). 3 submissions from 3 submitters: Uncertain significance (3). Last evaluated 2024-08-26.

Conditions:
Gorlin syndrome. Also called: Basal cell nevus syndrome; Nevoid Basal Cell Carcinoma Syndrome. Identifiers: Orphanet 377, MedGen C0004779, MONDO:0007187.
Medulloblastoma (MDB). Also called: Medulloblastoma, somatic; MEDULLOBLASTOMA PREDISPOSITION SYNDROME. Identifiers: Orphanet 616, MedGen C0025149, MeSH D008527, MONDO:0007959, OMIM 155255, HP:0002885.
Hereditary cancer-predisposing syndrome. Also called: Hereditary Cancer Syndrome; Hereditary neoplastic syndrome; Tumor predisposition; Neoplastic Syndromes, Hereditary. Identifiers: Orphanet 140162, MedGen C0027672, MeSH D009386, MONDO:0015356.

Allele frequency attached by ClinVar (database versions not stated): gnomAD exomes below 0.00001 and 0.00001.
gnomAD v4.1: 17 of 1,614,168 alleles (0.0011%); highest among the groups gnomAD compares: Non-Finnish European, 0.0014%; no homozygotes.

Submissions (3):

Ambry Genetics
Classification: Uncertain significance for Hereditary cancer-predisposing syndrome. Last evaluated: 2024-08-26. Review status: criteria provided, single submitter. Criteria: Ambry Variant Classification Scheme 2023. Collection method: clinical testing. Allele origin: germline.
Comment: The p.P232L variant (also known as c.695C>T), located in coding exon 6 of the SUFU gene, results from a C to T substitution at nucleotide position 695. The proline at codon 232 is replaced by leucine, an amino acid with similar properties. This amino acid position is conserved. In addition, the in silico prediction for this alteration is inconclusive. Since supporting evidence is limited at this time, the clinical significance of this alteration remains unclear.

Labcorp Genetics (formerly Invitae), Labcorp
Classification: Uncertain significance for Gorlin syndrome; Medulloblastoma. Last evaluated: 2024-04-30. Review status: criteria provided, single submitter. Criteria: Invitae Variant Classification Sherloc (09022015). Collection method: clinical testing. Allele origin: germline.
Comment: This sequence change replaces proline, which is neutral and non-polar, with leucine, which is neutral and non-polar, at codon 232 of the SUFU protein (p.Pro232Leu). This variant is present in population databases (no rsID available, gnomAD 0.0009%). This variant has not been reported in the literature in individuals affected with SUFU-related conditions. ClinVar contains an entry for this variant (Variation ID: 453975). Advanced modeling of protein sequence and biophysical properties (such as structural, functional, and spatial information, amino acid conservation, physicochemical variation, residue mobility, and thermodynamic stability) performed at Invitae indicates that this missense variant is not expected to disrupt SUFU protein function with a negative predictive value of 80%. In summary, the available evidence is currently insufficient to determine the role of this variant in disease. Therefore, it has been classified as a Variant of Uncertain Significance.

Quest Diagnostics Nichols Institute San Juan Capistrano
Classification: Uncertain significance. Last evaluated: 2022-10-21. Review status: criteria provided, single submitter. Criteria: Quest Diagnostics criteria. Collection method: clinical testing. Allele origin: unknown.
Comment: The variant has not been reported in the published literature. The frequency of this variant in the general population, 0.000004 (1/251488 chromosomes), is uninformative in assessment of its pathogenicity. Analysis of this variant using bioinformatics tools for the prediction of the effect of amino acid changes on protein structure and function yielded predictions that this variant is damaging. Based on the available information, we are unable to determine the clinical significance of this variant.

NM_016169.4(SUFU):c.695C>T (p.Pro232Leu)

Gene: SUFU (SUFU negative regulator of hedgehog signaling; plus strand). Cytogenetic location: 10q24.32.
Variant type: single nucleotide variant.
Coding change: c.695C>T on transcript NM_016169.4 (MANE Select); coding-DNA position 695, C replaced by T.
Protein change: p.Pro232Leu; replaces proline 232 with leucine.
Molecular consequence: missense variant.
Genome position (GRCh38, 1-based): chr10:102,594,004, C>T. VCF-style: chr10-102594004-C-T. GRCh37 (hg19) VCF-style: chr10-104353761-C-T.
Other names: c.695C>T, p.Pro232Leu (NM_001178133.2); short protein forms P232L.
Identifiers: ClinVar variation 453975 (VCV000453975.12), dbSNP rs1240436102, ClinGen allele CA377909734.
Genomic context (GRCh38, chr10:102,594,004, plus strand): 5'-TCAGCCCCAGACCCTCAGTTACCATTGTATCCCCTTTCCTTGTCCACAGTGCTGGCGGCC[C>T]CTGGCTGATAACTGACATGCGGAGGGGAGAGACCATATTTGAGATCGATCCACACCTGCA-3'
Protein context (NP_057253.2, residues 222-242): LLRTVPIAGG[Pro232Leu]WLITDMRRGE